The following is an entry in ClinVar:

NM_000528.4(MAN2B1):c.2664+1G>A

Gene: MAN2B1 (mannosidase alpha class 2B member 1; minus strand). Cytogenetic location: 19p13.13.
Variant type: single nucleotide variant.
Coding change: c.2664+1G>A on transcript NM_000528.4 (MANE Select); the canonical splice donor site of the intron after coding-DNA position 2664, G replaced by A.
Molecular consequence: splice donor variant.
Genome position (GRCh38, 1-based): chr19:12,648,174, C>T on the plus strand (G>A on the coding strand, the complement: MAN2B1 is on the minus strand). VCF-style: chr19-12648174-C-T. GRCh37 (hg19) VCF-style: chr19-12758988-C-T.
Other names: c.2661+1G>A (NM_001173498.2).
Identifiers: ClinVar variation 371052 (VCV000371052.11), dbSNP rs771953225, ClinGen allele CA9225967.

ClinVar aggregate classification (germline): Likely pathogenic. Review status: criteria provided, single submitter (1 of 4 stars). 2 submissions from 2 submitters: Likely pathogenic (1). 1 of the submissions does not count toward it. Last evaluated 2023-05-19.

Conditions:
Deficiency of alpha-mannosidase (MANSA). Also called: Alpha-Mannosidosis; Mannosidosis, alpha-, types I and II; LYSOSOMAL ALPHA-D-MANNOSIDASE DEFICIENCY. Identifiers: Orphanet 61, MedGen C0024748, MONDO:0009561, OMIM 248500.

Allele frequency attached by ClinVar (database versions not stated): gnomAD exomes 0.00002; TOPMed 0.00002; gnomAD 0.00003; ExAC 0.00008.

Submissions (2):

Labcorp Genetics (formerly Invitae), Labcorp
Classification: Likely pathogenic for Deficiency of alpha-mannosidase. Last evaluated: 2023-05-19. Review status: criteria provided, single submitter. Criteria: Invitae Variant Classification Sherloc (09022015). Collection method: clinical testing. Allele origin: germline.
Comment: Algorithms developed to predict the effect of sequence changes on RNA splicing suggest that this variant may disrupt the consensus splice site. ClinVar contains an entry for this variant (Variation ID: 371052). This variant has not been reported in the literature in individuals affected with MAN2B1-related conditions. The frequency data for this variant in the population databases is considered unreliable, as metrics indicate poor data quality at this position in the gnomAD database. This sequence change affects a donor splice site in intron 21 of the MAN2B1 gene. It is expected to disrupt RNA splicing. Variants that disrupt the donor or acceptor splice site typically lead to a loss of protein function (PMID: 16199547), and loss-of-function variants in MAN2B1 are known to be pathogenic (PMID: 9915946, 22161967). In summary, the currently available evidence indicates that the variant is pathogenic, but additional data are needed to prove that conclusively. Therefore, this variant has been classified as Likely Pathogenic.

Counsyl
Classification: Likely pathogenic for Deficiency of alpha-mannosidase. Last evaluated: 2016-06-14. Review status: no assertion criteria provided. Collection method: clinical testing. Allele origin: unknown. Not counted in ClinVar's aggregate classification.

Literature cited by the submitters: PubMed 16199547 (cited by Labcorp Genetics (formerly Invitae), Labcorp); PubMed 9915946 (cited by Labcorp Genetics (formerly Invitae), Labcorp); PubMed 22161967 (cited by Labcorp Genetics (formerly Invitae), Labcorp).